The following is an entry in ClinVar:

ClinVar aggregate classification (germline): Likely benign (1 of 4 stars; one submission).

gnomAD v4.1: 6,653 of 1,550,272 alleles (0.43%); highest among the groups gnomAD compares: Non-Finnish European, 0.5%; 25 homozygotes.

Submission:

CeGaT Center for Human Genetics Tuebingen
Classification: Likely benign. Last evaluated: 2025-06-01. Review status: criteria provided, single submitter. Criteria: CeGaT Center For Human Genetics Tuebingen Variant Classification Criteria Version 2. Collection method: clinical testing. Allele origin: germline. Affected: yes. Observed: 1 variant allele.
Comment: PGAP6: BP4, BS2

NM_021259.3(PGAP6):c.122-8C>T

Gene: PGAP6 (post-GPI attachment to proteins 6; minus strand). Cytogenetic location: 16p13.3.
Variant type: single nucleotide variant.
Coding change: c.122-8C>T on transcript NM_021259.3 (MANE Select); 8 bases into the intron before coding-DNA position 122, C replaced by T.
Molecular consequence: intron variant.
Genome position (GRCh38, 1-based): chr16:377,856, G>A on the plus strand (C>T on the coding strand, the complement: PGAP6 is on the minus strand). VCF-style: chr16-377856-G-A. GRCh37 (hg19) VCF-style: chr16-427856-G-A.
Identifiers: ClinVar variation 3904833 (VCV003904833.10).